The following is an entry in ClinVar:

ClinVar aggregate classification (germline): Conflicting classifications of pathogenicity. Review status: criteria provided, conflicting classifications (1 of 4 stars). 5 submissions from 5 submitters: Uncertain significance (1); Likely benign (3). 1 of the submissions does not count toward it. Last evaluated 2025-03-11.

Conditions:
Retinal dystrophy. Also called: Inherited retinal dystrophy. Identifiers: Orphanet 71862, MedGen C0854723, MeSH D058499, MONDO:0019118, HP:0000556.
Primary ciliary dyskinesia. Also called: Ciliary dyskinesia. Identifiers: Orphanet 244, MedGen C0008780, MONDO:0016575, HP:0012265.
RPGR-related disorder. Also called: RPGR-related condition.

Allele frequency attached by ClinVar (database versions not stated): ExAC 0.00002; gnomAD 0.00003; TOPMed 0.00004.
gnomAD v4.1: 37 of 1,203,876 alleles (0.0031%); highest among the groups gnomAD compares: Middle Eastern, 0.023%; no homozygotes.

Submissions (5):

Labcorp Genetics (formerly Invitae), Labcorp
Classification: Likely benign for Primary ciliary dyskinesia. Last evaluated: 2025-03-11. Review status: criteria provided, single submitter. Criteria: Invitae Variant Classification Sherloc (09022015). Collection method: clinical testing. Allele origin: germline.

Blueprint Genetics
Classification: Likely benign. Last evaluated: 2024-03-05. Review status: criteria provided, single submitter. Criteria: ACMG Guidelines, 2015. Collection method: clinical testing. Allele origin: germline.

Dept Of Ophthalmology, Nagoya University
Classification: Uncertain significance for Retinal dystrophy. Last evaluated: 2023-10-01. Review status: criteria provided, single submitter. Criteria: Submitter's publication. Collection method: research. Allele origin: germline. Affected: yes.

Ambry Genetics
Classification: Likely benign for Primary ciliary dyskinesia. Last evaluated: 2021-05-26. Review status: criteria provided, single submitter. Criteria: Ambry Variant Classification Scheme 2023. Collection method: clinical testing. Allele origin: germline.

PreventionGenetics, part of Exact Sciences
Classification: Likely benign for RPGR-related condition. Last evaluated: 2020-03-26. Review status: no assertion criteria provided. Collection method: clinical testing. Allele origin: germline. Not counted in ClinVar's aggregate classification.
Comment: This variant is classified as likely benign based on ACMG/AMP sequence variant interpretation guidelines (Richards et al. 2015 PMID: 25741868, with internal and published modifications).

NM_001034853.2(RPGR):c.972C>T (p.His324=)

Gene: RPGR (retinitis pigmentosa GTPase regulator; minus strand). Cytogenetic location: Xp11.4.
Variant type: single nucleotide variant.
Coding change: c.972C>T on transcript NM_001034853.2 (MANE Select); coding-DNA position 972, C replaced by T.
Protein change: p.His324=; no amino-acid change (histidine 324 retained).
Molecular consequence: synonymous variant. On other transcripts: non-coding transcript variant (6).
Genome position (GRCh38, 1-based): chrX:38,301,334, G>A on the plus strand (C>T on the coding strand, the complement: RPGR is on the minus strand). VCF-style: chrX-38301334-G-A. GRCh37 (hg19) VCF-style: chrX-38160587-G-A.
Other names: c.972C>T, p.His324= (NM_000328.3, NM_001367246.1, NM_001367247.1 and 1 more transcripts); c.969C>T, p.His323= (NM_001367245.1, NM_001367249.1, NM_001367250.1); c.1002C>T, p.His334= (NM_001367248.1).
Identifiers: ClinVar variation 1768001 (VCV001768001.10), dbSNP rs771739225, ClinGen allele CA10385565.